The following is an entry in ClinVar:

NM_003560.4(PLA2G6):c.127C>T (p.Gln43Ter)

Gene: PLA2G6 (phospholipase A2 group VI; minus strand). Cytogenetic location: 22q13.1.
Variant type: single nucleotide variant.
Coding change: c.127C>T on transcript NM_003560.4 (MANE Select); coding-DNA position 127, C replaced by T.
Protein change: p.Gln43Ter; replaces glutamine 43 with a stop codon.
Molecular consequence: nonsense. On other transcripts: 5 prime UTR variant (3).
Genome position (GRCh38, 1-based): chr22:38,169,300, G>A on the plus strand (C>T on the coding strand, the complement: PLA2G6 is on the minus strand). VCF-style: chr22-38169300-G-A. GRCh37 (hg19) VCF-style: chr22-38565307-G-A.
Other names: NM_001004426.3:c.127C>T; c.127C>T, p.Gln43Ter (NM_001004426.3, NM_001199562.3, NM_001349864.2 and 2 more transcripts); c.-539C>T (NM_001349867.2, NM_001349869.2); c.-364C>T (NM_001349868.2); short protein forms Q43*.
Identifiers: ClinVar variation 2412654 (VCV002412654.1), dbSNP rs761956614, ClinGen allele CA10231369.

ClinVar aggregate classification (germline): Pathogenic (1 of 4 stars; one submission).

Conditions:
PLA2G6-associated neurodegeneration (PLAN). Also called: phospholipase A2-associated neurodegeneration. Identifiers: Orphanet 329303, MedGen CN204472, MONDO:0017998.

Allele frequency attached by ClinVar (database versions not stated): ExAC 0.00001; gnomAD exomes below 0.00001.
gnomAD v4.1: 1 of 1,614,184 alleles (0.000062%); highest among the groups gnomAD compares: South Asian, 0.0011%; no homozygotes.

Submission:

Broad Center for Mendelian Genomics, Broad Institute of MIT and Harvard
Classification: Pathogenic for PLA2G6-associated neurodegeneration. Last evaluated: 2023-01-24. Review status: criteria provided, single submitter. Criteria: ACMG Guidelines, 2015. Collection method: curation. Allele origin: germline. Inheritance: Autosomal recessive inheritance.
Comment: The p.Gln43Ter variant in PLA2G6 has been reported in 1 individual, in the homozygous state, with PLA2G6-associated neurodegeneration (PMID: 34489640) and has been identified in 0.003% (1/30604) of South Asian chromosomes by the Genome Aggregation Database (gnomAD; dbSNP ID: rs761956614). Although this variant has been seen in the general population in a heterozygous state, its frequency is low enough to be consistent with a recessive carrier frequency. This nonsense variant leads to a premature termination codon at position 43, which is predicted to lead to a truncated or absent protein. Loss of function of the PLA2G6 gene is an established disease mechanism in autosomal recessive PLA2G6-associated neurodegeneration. In summary, this variant meets criteria to be classified as pathogenic for autosomal recessive PLA2G6-associated neurodegeneration. ACMG/AMP Criteria applied: PVS1, PM3_supporting, PM2_supporting (Richards 2015).